The following is an entry in ClinVar:

ClinVar aggregate classification (germline): Uncertain significance. Review status: criteria provided, multiple submitters, no conflicts (2 of 4 stars). 4 submissions from 4 submitters: Uncertain significance (4). Last evaluated 2025-06-03.

Conditions:
Maturity-onset diabetes of the young type 6 (MODY6). Identifiers: Orphanet 552, MedGen C1853371, MONDO:0011668, OMIM 606394.
Type 2 diabetes mellitus. Also called: Type II diabetes mellitus. Identifiers: MedGen C0011860, MeSH D003924, MONDO:0005148, OMIM 125853, HP:0005978.

Allele frequency attached by ClinVar (database versions not stated): gnomAD exomes 0.00005 and below 0.00001; gnomAD 0.00001; TOPMed 0.00002; ESP Exome Variant Server 0.00008.
gnomAD v4.1: 72 of 1,614,080 alleles (0.0045%); highest among the groups gnomAD compares: Non-Finnish European, 0.0059%; no homozygotes.

Submissions (4):

Labcorp Genetics (formerly Invitae), Labcorp
Classification: Uncertain significance. Last evaluated: 2025-06-03. Review status: criteria provided, single submitter. Criteria: Invitae Variant Classification Sherloc (09022015). Collection method: clinical testing. Allele origin: germline.
Comment: This sequence change replaces isoleucine, which is neutral and non-polar, with valine, which is neutral and non-polar, at codon 140 of the NEUROD1 protein (p.Ile140Val). This variant is present in population databases (rs369575066, gnomAD 0.01%). This missense change has been observed in individual(s) with type 1 diabetes (PMID: 30191644). ClinVar contains an entry for this variant (Variation ID: 897855). Invitae Evidence Modeling of protein sequence and biophysical properties (such as structural, functional, and spatial information, amino acid conservation, physicochemical variation, residue mobility, and thermodynamic stability) indicates that this missense variant is expected to disrupt NEUROD1 protein function with a positive predictive value of 80%. In summary, the available evidence is currently insufficient to determine the role of this variant in disease. Therefore, it has been classified as a Variant of Uncertain Significance.

Fulgent Genetics
Classification: Uncertain significance for Type 2 diabetes mellitus; Maturity-onset diabetes of the young type 6. Last evaluated: 2021-08-30. Review status: criteria provided, single submitter. Criteria: ACMG Guidelines, 2015. Collection method: clinical testing. Allele origin: unknown.

Revvity Omics, Revvity
Classification: Uncertain significance for Maturity-onset diabetes of the young type 6. Last evaluated: 2020-03-01. Review status: criteria provided, single submitter. Criteria: ACMG Guidelines, 2015. Collection method: clinical testing. Allele origin: germline.

Illumina Laboratory Services, Illumina
Classification: Uncertain significance for Maturity-onset diabetes of the young type 6. Last evaluated: 2018-01-12. Review status: criteria provided, single submitter. Criteria: ICSL Variant Classification Criteria 13 December 2019. Collection method: clinical testing. Allele origin: germline.

Literature cited by the submitters: PubMed 30191644 (cited by Labcorp Genetics (formerly Invitae), Labcorp).

NM_002500.5(NEUROD1):c.418A>G (p.Ile140Val)

Gene: NEUROD1 (neuronal differentiation 1; minus strand). Cytogenetic location: 2q31.3.
Variant type: single nucleotide variant.
Coding change: c.418A>G on transcript NM_002500.5 (MANE Select); coding-DNA position 418, A replaced by G.
Protein change: p.Ile140Val; replaces isoleucine 140 with valine.
Molecular consequence: missense variant.
Genome position (GRCh38, 1-based): chr2:181,678,443, T>C on the plus strand (A>G on the coding strand, the complement: NEUROD1 is on the minus strand). VCF-style: chr2-181678443-T-C. GRCh37 (hg19) VCF-style: chr2-182543170-T-C.
Other names: short protein forms I140V.
Identifiers: ClinVar variation 897855 (VCV000897855.13), dbSNP rs369575066, ClinGen allele CA62111445.
Genomic context (GRCh38, chr2:181,678,443, plus strand): 5'-CTGAGCGCAGGATCTCCGACAGAGCCCAGATGTAGTTCTTGGCCAAGCGCAGAGTCTCGA[T>C]TTTGGACAGCTTCTGCGTCTTAGAATAGCAAGGCACCACCTTGCGCAGGTTGTCTAGCGC-3'
Protein context (NP_002491.3, residues 130-150): CYSKTQKLSK[Ile140Val]ETLRLAKNYI